The following is an entry in ClinVar:

NM_020937.4(FANCM):c.4475_4485del (p.Arg1492fs)

Gene: FANCM (FA complementation group M; plus strand). Cytogenetic location: 14q21.2.
Variant type: Deletion.
Coding change: c.4475_4485del on transcript NM_020937.4 (MANE Select); coding-DNA positions 4475 to 4485, 11 bases deleted (GAAGAGGCATC).
Protein change: p.Arg1492fs; shifts the reading frame from arginine 1492.
Molecular consequence: frameshift variant.
Genome position (GRCh38, 1-based): chr14:45,183,862-45,183,872, GAAGAGGCATC deleted. VCF-style (leftmost placement, unchanged base first): chr14-45183861-AGAAGAGGCATC-A. GRCh37 (hg19) VCF-style: chr14-45653064-AGAAGAGGCATC-A.
Other names: c.4397_4407del, p.Arg1466fs (NM_001308133.2); short protein forms R1466fs, R1492fs.
Identifiers: ClinVar variation 2730591 (VCV002730591.3), dbSNP rs1203548373, ClinGen allele CA706081125.

ClinVar aggregate classification (germline): Pathogenic (1 of 4 stars; one submission).

Conditions:
Fanconi anemia (FA). Also called: Fanconi's anemia. Identifiers: Orphanet 84, MedGen C0015625, MeSH D005199, MONDO:0019391.

Allele frequency attached by ClinVar (database versions not stated): gnomAD 0.00001; TOPMed below 0.00001.

Submission:

Labcorp Genetics (formerly Invitae), Labcorp
Classification: Pathogenic for Fanconi anemia. Last evaluated: 2025-11-10. Review status: criteria provided, single submitter. Criteria: Invitae Variant Classification Sherloc (09022015). Collection method: clinical testing. Allele origin: germline.
Comment: This sequence change creates a premature translational stop signal (p.Arg1492Lysfs*14) in the FANCM gene. It is expected to result in an absent or disrupted protein product. Loss-of-function variants in FANCM are known to be pathogenic (PMID: 29895858, 30075111). This variant is not present in population databases (gnomAD no frequency). This variant has not been reported in the literature in individuals affected with FANCM-related conditions. ClinVar contains an entry for this variant (Variation ID: 2730591). Algorithms developed to predict the effect of sequence changes on RNA splicing suggest that this variant may disrupt the consensus splice site. For these reasons, this variant has been classified as Pathogenic.

Literature cited by the submitters: PubMed 29895858; PubMed 30075111.